The following is an entry in ClinVar:

NM_025074.7(FRAS1):c.10174+3G>C

Gene: FRAS1 (Fraser extracellular matrix complex subunit 1; plus strand). Cytogenetic location: 4q21.21.
Variant type: single nucleotide variant.
Coding change: c.10174+3G>C on transcript NM_025074.7 (MANE Select); 3 bases into the intron after coding-DNA position 10174, G replaced by C.
Molecular consequence: intron variant.
Genome position (GRCh38, 1-based): chr4:78,513,555, G>C. VCF-style: chr4-78513555-G-C. GRCh37 (hg19) VCF-style: chr4-79434709-G-C.
Identifiers: ClinVar variation 3048303 (VCV003048303.2), dbSNP rs2475818378, ClinGen allele CA2578124554.

ClinVar aggregate classification (germline): Likely benign (0 of 4 stars; one submission).

Conditions:
FRAS1-related disorder. Also called: FRAS1-related condition.

Submission:

PreventionGenetics, part of Exact Sciences
Classification: Likely benign for FRAS1-related condition. Last evaluated: 2020-02-17. Review status: no assertion criteria provided. Collection method: clinical testing. Allele origin: germline.
Comment: This variant is classified as likely benign based on ACMG/AMP sequence variant interpretation guidelines (Richards et al. 2015 PMID: 25741868, with internal and published modifications).